The following is an entry in ClinVar:

ClinVar aggregate classification (germline): Uncertain significance (1 of 4 stars; one submission).

gnomAD v4.1: 1 of 1,603,382 alleles (0.000062%); highest among the groups gnomAD compares: African/African-American, 0.0013%; no homozygotes.

Submission:

Labcorp Genetics (formerly Invitae), Labcorp
Classification: Uncertain significance. Last evaluated: 2025-08-04. Review status: criteria provided, single submitter. Criteria: Invitae Variant Classification Sherloc (09022015). Collection method: clinical testing. Allele origin: germline.
Comment: This sequence change replaces glycine, which is neutral and non-polar, with alanine, which is neutral and non-polar, at codon 71 of the ITGAM protein (p.Gly71Ala). This variant is not present in population databases (gnomAD no frequency). This variant has not been reported in the literature in individuals affected with ITGAM-related conditions. ClinVar contains an entry for this variant (Variation ID: 3683187). An algorithm developed to predict the effect of missense changes on protein structure and function outputs the following: PolyPhen-2: "Benign". The alanine amino acid residue is found in multiple mammalian species, which suggests that this missense change does not adversely affect protein function. In summary, the available evidence is currently insufficient to determine the role of this variant in disease. Therefore, it has been classified as a Variant of Uncertain Significance.

NM_000632.4(ITGAM):c.212G>C (p.Gly71Ala)

Genes: ITGAM (integrin subunit alpha M; plus strand), LOC126862331 (P300/CBP strongly-dependent group 1 enhancer GRCh37_chr16:31276375-31277574; plus strand). Cytogenetic location: 16p11.2.
Variant type: single nucleotide variant.
Coding change: c.212G>C on transcript NM_000632.4 (MANE Select); coding-DNA position 212, G replaced by C.
Protein change: p.Gly71Ala; replaces glycine 71 with alanine.
Molecular consequence: missense variant.
Genome position (GRCh38, 1-based): chr16:31,265,472, G>C. VCF-style: chr16-31265472-G-C. GRCh37 (hg19) VCF-style: chr16-31276793-G-C.
Other names: c.212G>C, p.Gly71Ala (NM_001145808.2); short protein forms G71A.
Identifiers: ClinVar variation 3683187 (VCV003683187.2).